The following is an entry in ClinVar:

NM_000203.5(IDUA):c.1525-38T>C

Gene: IDUA (alpha-L-iduronidase; plus strand). Cytogenetic location: 4p16.3.
Variant type: single nucleotide variant.
Coding change: c.1525-38T>C on transcript NM_000203.5 (MANE Select); 38 bases into the intron before coding-DNA position 1525, T replaced by C.
Molecular consequence: intron variant.
Genome position (GRCh38, 1-based): chr4:1,003,307, T>C. VCF-style: chr4-1003307-T-C. GRCh37 (hg19) VCF-style: chr4-997095-T-C.
Other names: c.1129-38T>C (NM_001363576.1).
Identifiers: ClinVar variation 255525 (VCV000255525.7), dbSNP rs1131853, ClinGen allele CA2802297.
Genomic context (GRCh38, chr4:1,003,307, plus strand): 5'-TGGGAGGTGGAGCGGTGGGCCGGGGGCGTTCGCCCTGAGGTCGGGCCGAGCGTCCCCAGC[T>C]CCCCTGGAGAACCCTGAGGACCGGCCACTGCGCCCAGGACCCGGTGGCCGCGGCGCCCCG-3'

ClinVar aggregate classification (germline): Benign. Review status: criteria provided, multiple submitters, no conflicts (2 of 4 stars). 5 submissions from 5 submitters: Benign (4). 1 of the submissions does not count toward it. Last evaluated 2021-07-14.

Conditions:
Mucopolysaccharidosis type 1. Also called: IDUA deficiency; MPS I; Mucopolysaccharidosis Type I. Identifiers: Orphanet 579, MedGen C0023786, MONDO:0001586.
Mucopolysaccharidosis, MPS-I-H/S. Also called: Mucopolysaccharidosis type IH/S. Identifiers: Orphanet 93476, MedGen C0086431, MONDO:0011759, OMIM 607015.

Allele frequency attached by ClinVar (database versions not stated): gnomAD exomes 0.19186 and 0.21923; gnomAD 0.21794 and 0.22133; TOPMed 0.21960; 1000 Genomes Project 30x 0.24766; 1000 Genomes Project 0.24900; ExAC 0.31189.
gnomAD v4.1: 308,558 of 1,403,314 alleles (22%); highest among the groups gnomAD compares: Middle Eastern, 35%; 35,057 homozygotes.

Submissions (5):

Genome-Nilou Lab
Classification: Benign for Mucopolysaccharidosis, MPS-I-H/S. Last evaluated: 2021-07-14. Review status: criteria provided, single submitter. Criteria: ACMG Guidelines, 2015. Collection method: clinical testing. Allele origin: germline. Affected: no.

GeneDx
Classification: Benign. Last evaluated: 2018-06-19. Review status: criteria provided, single submitter. Criteria: GeneDx Variant Classification (06012015). Collection method: clinical testing. Allele origin: germline. Affected: yes.
Comment: This variant is considered likely benign or benign based on one or more of the following criteria: it is a conservative change, it occurs at a poorly conserved position in the protein, it is predicted to be benign by multiple in silico algorithms, and/or has population frequency not consistent with disease.

Breakthrough Genomics
Classification: Benign. Review status: criteria provided, single submitter. Criteria: ACMG Guidelines, 2015. Collection method: not provided. Allele origin: germline. Inheritance: Autosomal recessive inheritance. Affected: yes.

PreventionGenetics, part of Exact Sciences
Classification: Benign. Review status: criteria provided, single submitter. Criteria: ACMG Guidelines, 2015. Collection method: clinical testing. Allele origin: germline.

Natera, Inc.
Classification: Benign for Mucopolysaccharidosis type I. Last evaluated: 2020-09-16. Review status: no assertion criteria provided. Collection method: clinical testing. Allele origin: germline. Not counted in ClinVar's aggregate classification.